The following is an entry in ClinVar:

ClinVar aggregate classification (germline): Benign/Likely benign. Review status: criteria provided, multiple submitters, no conflicts (2 of 4 stars). 8 submissions from 8 submitters: Benign (7); Likely benign (1). Last evaluated 2026-02-04.

Conditions:
Glanzmann thrombasthenia 1 (GT1). Also called: BLEEDING DISORDER, PLATELET-TYPE, 2; GP IIb-IIIa COMPLEX DEFICIENCY; GLYCOPROTEIN COMPLEX IIb-IIIa DEFICIENCY; PLATELET FIBRINOGEN RECEPTOR DEFICIENCY. Identifiers: MedGen CN300358, MONDO:0031332, OMIM 273800.
Glanzmann thrombasthenia. Also called: PLATELET GLYCOPROTEIN IIb-IIIa DEFICIENCY; THROMBASTHENIA OF GLANZMANN AND NAEGELI; Glanzmann's thrombasthenia; Thrombasthenia. Identifiers: Orphanet 849, MedGen C0040015, MONDO:0100326.

Allele frequency attached by ClinVar (database versions not stated): gnomAD exomes 0.37737 and 0.38769; TOPMed 0.38031; ESP Exome Variant Server 0.38244; ExAC 0.38692; gnomAD 0.38742 and 0.38791; 1000 Genomes Project 0.39736; 1000 Genomes Project 30x 0.39772.
gnomAD v4.1: 610,003 of 1,611,870 alleles (38%); highest among the groups gnomAD compares: East Asian, 42%; 115,978 homozygotes.

Submissions (8):

Labcorp Genetics (formerly Invitae), Labcorp
Classification: Benign for Glanzmann thrombasthenia. Last evaluated: 2026-02-04. Review status: criteria provided, single submitter. Criteria: Invitae Variant Classification Sherloc (09022015). Collection method: clinical testing. Allele origin: germline.

Blueprint Genetics
Classification: Likely benign. Last evaluated: 2024-11-28. Review status: criteria provided, single submitter. Criteria: ACMG Guidelines, 2015. Collection method: clinical testing. Allele origin: germline.

Mayo Clinic Laboratories, Mayo Clinic
Classification: Benign. Last evaluated: 2022-09-29. Review status: criteria provided, single submitter. Criteria: ACMG Guidelines, 2015. Collection method: clinical testing. Allele origin: germline. Observed: 341 variant alleles.

Genome-Nilou Lab
Classification: Benign for Glanzmann thrombasthenia 1. Last evaluated: 2021-08-19. Review status: criteria provided, single submitter. Criteria: ACMG Guidelines, 2015. Collection method: clinical testing. Allele origin: germline. Affected: no.

GeneDx
Classification: Benign. Last evaluated: 2018-11-12. Review status: criteria provided, single submitter. Criteria: GeneDx Variant Classification Process June 2021. Collection method: clinical testing. Allele origin: germline. Affected: yes.

Illumina Laboratory Services, Illumina
Classification: Benign for Glanzmann thrombasthenia 1. Last evaluated: 2018-01-13. Review status: criteria provided, single submitter. Criteria: ICSL Variant Classification Criteria 13 December 2019. Collection method: clinical testing. Allele origin: germline.
Comment: This variant was observed in the ICSL laboratory as part of a predisposition screen in an ostensibly healthy population. It had not been previously curated by ICSL or reported in the Human Gene Mutation Database (HGMD: prior to June 1st, 2018), and was therefore a candidate for classification through an automated scoring system. Utilizing variant allele frequency, disease prevalence and penetrance estimates, and inheritance mode, an automated score was calculated to assess if this variant is too frequent to cause the disease. Based on the score and internal cut-off values, a variant classified as benign is not then subjected to further curation. The score for this variant resulted in a classification of benign for this disease.

Breakthrough Genomics
Classification: Benign. Review status: criteria provided, single submitter. Criteria: ACMG Guidelines, 2015. Collection method: not provided. Allele origin: germline. Inheritance: Autosomal recessive inheritance. Affected: yes.

PreventionGenetics, part of Exact Sciences
Classification: Benign. Review status: criteria provided, single submitter. Criteria: ACMG Guidelines, 2015. Collection method: clinical testing. Allele origin: germline.

NM_000419.5(ITGA2B):c.3063C>T (p.Val1021=)

Gene: ITGA2B (integrin subunit alpha 2b; minus strand). Cytogenetic location: 17q21.31.
Variant type: single nucleotide variant.
Coding change: c.3063C>T on transcript NM_000419.5 (MANE Select); coding-DNA position 3063, C replaced by T.
Protein change: p.Val1021=; no amino-acid change (valine 1021 retained).
Molecular consequence: synonymous variant.
Genome position (GRCh38, 1-based): chr17:44,372,421, G>A on the plus strand (C>T on the coding strand, the complement: ITGA2B is on the minus strand). VCF-style: chr17-44372421-G-A. GRCh37 (hg19) VCF-style: chr17-42449789-G-A.
Other names: p.Val1021=; c.3063C>T (LRG_479t1).
Identifiers: ClinVar variation 256040 (VCV000256040.20), dbSNP rs5910, ClinGen allele CA8602461.